The following is an entry in ClinVar:

ClinVar aggregate classification (germline): Uncertain significance. Review status: criteria provided, multiple submitters, no conflicts (2 of 4 stars). 2 submissions from 2 submitters: Uncertain significance (2). Last evaluated 2024-06-11.

Conditions:
Inborn genetic diseases. Identifiers: MedGen C0950123, MeSH D030342.
Nemaline myopathy 10 (NEM10). Identifiers: MedGen C4015360, MONDO:0014513, OMIM 616165.

Allele frequency attached by ClinVar (database versions not stated): gnomAD exomes 0.00008; ExAC 0.00009; ESP Exome Variant Server 0.00024; gnomAD 0.00026 and 0.00028; TOPMed 0.00026; 1000 Genomes Project 30x 0.00031; 1000 Genomes Project 0.00040.

Submissions (2):

Ambry Genetics
Classification: Uncertain significance for Inborn genetic diseases. Last evaluated: 2024-06-11. Review status: criteria provided, single submitter. Criteria: Ambry Variant Classification Scheme 2023. Collection method: clinical testing. Allele origin: germline.

Labcorp Genetics (formerly Invitae), Labcorp
Classification: Uncertain significance for Nemaline myopathy 10. Last evaluated: 2022-10-17. Review status: criteria provided, single submitter. Criteria: Invitae Variant Classification Sherloc (09022015). Collection method: clinical testing. Allele origin: germline.
Comment: This sequence change replaces threonine, which is neutral and polar, with methionine, which is neutral and non-polar, at codon 169 of the LMOD3 protein (p.Thr169Met). This variant is present in population databases (rs181564355, gnomAD 0.08%). This variant has not been reported in the literature in individuals affected with LMOD3-related conditions. ClinVar contains an entry for this variant (Variation ID: 655968). Algorithms developed to predict the effect of missense changes on protein structure and function output the following: SIFT: "Tolerated"; PolyPhen-2: "Benign"; Align-GVGD: "Class C0". The methionine amino acid residue is found in multiple mammalian species, which suggests that this missense change does not adversely affect protein function. In summary, the available evidence is currently insufficient to determine the role of this variant in disease. Therefore, it has been classified as a Variant of Uncertain Significance.

NM_198271.5(LMOD3):c.506C>T (p.Thr169Met)

Gene: LMOD3 (leiomodin 3; minus strand). Cytogenetic location: 3p14.1.
Variant type: single nucleotide variant.
Coding change: c.506C>T on transcript NM_198271.5 (MANE Select); coding-DNA position 506, C replaced by T.
Protein change: p.Thr169Met; replaces threonine 169 with methionine.
Molecular consequence: missense variant.
Genome position (GRCh38, 1-based): chr3:69,119,849, G>A on the plus strand (C>T on the coding strand, the complement: LMOD3 is on the minus strand). VCF-style: chr3-69119849-G-A. GRCh37 (hg19) VCF-style: chr3-69169000-G-A.
Other names: c.506C>T, p.Thr169Met (NM_001304418.3); c.506C>T (NM_198271.3); short protein forms T169M.
Identifiers: ClinVar variation 655968 (VCV000655968.6), dbSNP rs181564355, ClinGen allele CA2488965.
Genomic context (GRCh38, chr3:69,119,849, plus strand): 5'-TGGCAGTTGTTCTCACAATTTCTAATTTGTTCCTTTGCTTTGCCTTCCTCTTCTCTGTTC[G>A]TTTCTTCACTCTCTTCACCATCATCTTCTCCTTCGTCGTCATCATCATCATCTTCTTCTT-3'
Protein context (NP_938012.2, residues 159-179): GEDDGEESEE[Thr169Met]NREEEGKAKE